The following is an entry in ClinVar:

NM_000477.7(ALB):c.1191+11T>A

Gene: ALB (albumin; plus strand). Cytogenetic location: 4q13.3.
Variant type: single nucleotide variant.
Coding change: c.1191+11T>A on transcript NM_000477.7 (MANE Select); 11 bases into the intron after coding-DNA position 1191, T replaced by A.
Molecular consequence: intron variant.
Genome position (GRCh38, 1-based): chr4:73,415,178, T>A. VCF-style: chr4-73415178-T-A. GRCh37 (hg19) VCF-style: chr4-74280895-T-A.
Identifiers: ClinVar variation 349628 (VCV000349628.6), dbSNP rs78977679, ClinGen allele CA2959571.

ClinVar aggregate classification (germline): Benign. Review status: criteria provided, multiple submitters, no conflicts (2 of 4 stars). 2 submissions from 2 submitters: Benign (2). Last evaluated 2025-08-21.

Conditions:
Hyperthyroxinemia, familial dysalbuminemic (FDAH). Also called: EUTHYROID HYPERTHYROXINEMIA 1. Identifiers: MedGen C0342185, MONDO:0014448, OMIM 615999.

Allele frequency attached by ClinVar (database versions not stated): gnomAD exomes 0.00018 and 0.00099; gnomAD 0.00025 and 0.00041; TOPMed 0.00068; ExAC 0.00092; 1000 Genomes Project 30x 0.00359; 1000 Genomes Project 0.00459.
gnomAD v4.1: 361 of 1,614,002 alleles (0.022%); highest among the groups gnomAD compares: East Asian, 0.69%; 4 homozygotes.

Submissions (2):

Labcorp Genetics (formerly Invitae), Labcorp
Classification: Benign. Last evaluated: 2025-08-21. Review status: criteria provided, single submitter. Criteria: Invitae Variant Classification Sherloc (09022015). Collection method: clinical testing. Allele origin: germline.

Illumina Laboratory Services, Illumina
Classification: Benign for Hyperthyroxinemia, familial dysalbuminemic. Last evaluated: 2018-01-12. Review status: criteria provided, single submitter. Criteria: ICSL Variant Classification Criteria 13 December 2019. Collection method: clinical testing. Allele origin: germline.
Comment: This variant was observed in the ICSL laboratory as part of a predisposition screen in an ostensibly healthy population. It had not been previously curated by ICSL or reported in the Human Gene Mutation Database (HGMD: prior to June 1st, 2018), and was therefore a candidate for classification through an automated scoring system. Utilizing variant allele frequency, disease prevalence and penetrance estimates, and inheritance mode, an automated score was calculated to assess if this variant is too frequent to cause the disease. Based on the score and internal cut-off values, a variant classified as benign is not then subjected to further curation. The score for this variant resulted in a classification of benign for this disease.